The following is an entry in ClinVar:

ClinVar aggregate classification (germline): Uncertain significance (1 of 4 stars; one submission).

Conditions:
Inborn genetic diseases. Identifiers: MedGen C0950123, MeSH D030342.

gnomAD v4.1: 1 of 1,605,510 alleles (0.000062%); highest among the groups gnomAD compares: Non-Finnish European, 0.000085%; no homozygotes.

Submission:

Ambry Genetics
Classification: Uncertain significance for Inborn genetic diseases. Last evaluated: 2026-07-07. Review status: criteria provided, single submitter. Criteria: Ambry Variant Classification Scheme 2023. Collection method: clinical testing. Allele origin: germline.
Comment: The p.G322E variant (also known as c.965G>A), located in coding exon 7 of the BMPR2 gene, results from a G to A substitution at nucleotide position 965. The glycine at codon 322 is replaced by glutamic acid, an amino acid with similar properties. This amino acid position is conserved. In addition, this alteration is predicted to be deleterious by in silico analysis. Based on the available evidence, the clinical significance of this variant remains unclear.

NM_001204.7(BMPR2):c.965G>A (p.Gly322Glu)

Gene: BMPR2 (bone morphogenetic protein receptor type 2; plus strand). Cytogenetic location: 2q33.2.
Variant type: single nucleotide variant.
Coding change: c.965G>A on transcript NM_001204.7 (MANE Select); coding-DNA position 965, G replaced by A.
Protein change: p.Gly322Glu; replaces glycine 322 with glutamic acid.
Molecular consequence: missense variant.
Genome position (GRCh38, 1-based): chr2:202,520,199, G>A. VCF-style: chr2-202520199-G-A. GRCh37 (hg19) VCF-style: chr2-203384922-G-A.
Other names: short protein forms G322E.
Identifiers: ClinVar variation 5033077 (VCV005033077.1).